The following is an entry in ClinVar:

NM_001136191.3(KANK2):c.368G>T (p.Arg123Leu)

Gene: KANK2 (KN motif and ankyrin repeat domains 2; minus strand). Cytogenetic location: 19p13.2.
Variant type: single nucleotide variant.
Coding change: c.368G>T on transcript NM_001136191.3 (MANE Select); coding-DNA position 368, G replaced by T.
Protein change: p.Arg123Leu; replaces arginine 123 with leucine.
Molecular consequence: missense variant.
Genome position (GRCh38, 1-based): chr19:11,193,712, C>A on the plus strand (G>T on the coding strand, the complement: KANK2 is on the minus strand). VCF-style: chr19-11193712-C-A. GRCh37 (hg19) VCF-style: chr19-11304388-C-A.
Other names: c.368G>T, p.Arg123Leu (NM_001329451.2, NM_001379548.1, NM_001379549.1 and 15 more transcripts); short protein forms R123L.
Identifiers: ClinVar variation 1914009 (VCV001914009.4), dbSNP rs750716545, ClinGen allele CA9206088.

ClinVar aggregate classification (germline): Uncertain significance (1 of 4 stars; one submission).

Allele frequency attached by ClinVar (database versions not stated): gnomAD 0.00001.
gnomAD v4.1: 17 of 1,611,954 alleles (0.0011%); highest among the groups gnomAD compares: Admixed American, 0.018%; no homozygotes.

Submission:

Labcorp Genetics (formerly Invitae), Labcorp
Classification: Uncertain significance. Last evaluated: 2025-10-12. Review status: criteria provided, single submitter. Criteria: Invitae Variant Classification Sherloc (09022015). Collection method: clinical testing. Allele origin: germline.
Comment: This sequence change replaces arginine, which is basic and polar, with leucine, which is neutral and non-polar, at codon 123 of the KANK2 protein (p.Arg123Leu). This variant is present in population databases (rs750716545, gnomAD 0.06%). This variant has not been reported in the literature in individuals affected with KANK2-related conditions. ClinVar contains an entry for this variant (Variation ID: 1914009). An algorithm developed to predict the effect of missense changes on protein structure and function (PolyPhen-2) suggests that this variant is likely to be disruptive. In summary, the available evidence is currently insufficient to determine the role of this variant in disease. Therefore, it has been classified as a Variant of Uncertain Significance.